The following is an entry in ClinVar:

ClinVar aggregate classification (germline): Pathogenic/Likely pathogenic. Review status: criteria provided, multiple submitters, no conflicts (2 of 4 stars). 2 submissions from 2 submitters: Pathogenic (1); Likely pathogenic (1). Last evaluated 2022-02-24.

Conditions:
Meckel-Gruber syndrome. Also called: Dysencephalia splachnocystica; DYSENCEPHALIA SPLANCHNOCYSTICA; GRUBER SYNDROME. Identifiers: Orphanet 564, MedGen C0265215, MONDO:0018921.
Joubert syndrome. Also called: CEREBELLOPARENCHYMAL DISORDER IV; JOUBERT-BOLTSHAUSER SYNDROME; Familial aplasia of the vermis. Identifiers: Orphanet 475, MedGen C5979921, MONDO:0018772.

Submissions (2):

Labcorp Genetics (formerly Invitae), Labcorp
Classification: Likely pathogenic for Joubert syndrome; Meckel-Gruber syndrome. Last evaluated: 2022-02-24. Review status: criteria provided, single submitter. Criteria: Invitae Variant Classification Sherloc (09022015). Collection method: clinical testing. Allele origin: germline.
Comment: In summary, the currently available evidence indicates that the variant is pathogenic, but additional data are needed to prove that conclusively. Therefore, this variant has been classified as Likely Pathogenic. Variants that disrupt the consensus splice site are a relatively common cause of aberrant splicing (PMID: 17576681, 9536098). Algorithms developed to predict the effect of sequence changes on RNA splicing suggest that this variant may disrupt the consensus splice site. ClinVar contains an entry for this variant (Variation ID: 217678). Disruption of this splice site has been observed in individual(s) with Joubert syndrome (PMID: 26092869). This variant is not present in population databases (gnomAD no frequency). This sequence change affects an acceptor splice site in intron 17 of the MKS1 gene. While this variant is not anticipated to result in nonsense mediated decay, it likely alters RNA splicing and results in a disrupted protein product.

UW Hindbrain Malformation Research Program, University of Washington
Classification: Pathogenic for Joubert syndrome. Last evaluated: 2015-02-23. Review status: criteria provided, single submitter. Criteria: Bachmann-Gagescu et al. (J Med Genet. 2015). Collection method: research. Allele origin: unknown. Affected: yes.

Literature cited by the submitters: PubMed 17576681 (cited by Labcorp Genetics (formerly Invitae), Labcorp); PubMed 9536098 (cited by Labcorp Genetics (formerly Invitae), Labcorp); PubMed 26092869 (cited by Labcorp Genetics (formerly Invitae), Labcorp).

NM_017777.4(MKS1):c.1589-2A>T

Gene: MKS1 (MKS transition zone complex subunit 1; minus strand). Cytogenetic location: 17q22.
Variant type: single nucleotide variant.
Coding change: c.1589-2A>T on transcript NM_017777.4 (MANE Select); the canonical splice acceptor site of the intron before coding-DNA position 1589, A replaced by T.
Molecular consequence: splice acceptor variant.
Genome position (GRCh38, 1-based): chr17:58,206,172, T>A on the plus strand (A>T on the coding strand, the complement: MKS1 is on the minus strand). VCF-style: chr17-58206172-T-A. GRCh37 (hg19) VCF-style: chr17-56283533-T-A.
Other names: c.980-2A>T (NM_001321268.2); c.*1-2A>T (NM_001330397.2); c.1506-2A>T (NM_001321269.2).
Identifiers: ClinVar variation 217678 (VCV000217678.6), dbSNP rs863225207, ClinGen allele CA279509.